The following is an entry in ClinVar:

ClinVar aggregate classification (germline): Uncertain significance (1 of 4 stars; one submission).

Allele frequency attached by ClinVar (database versions not stated): gnomAD exomes below 0.00001; TOPMed 0.00001.
gnomAD v4.1: 2 of 1,612,858 alleles (0.00012%); highest among the groups gnomAD compares: Admixed American, 0.0033%; no homozygotes.

Submission:

Labcorp Genetics (formerly Invitae), Labcorp
Classification: Uncertain significance. Last evaluated: 2022-07-15. Review status: criteria provided, single submitter. Criteria: Invitae Variant Classification Sherloc (09022015). Collection method: clinical testing. Allele origin: germline.
Comment: This variant has not been reported in the literature in individuals affected with ASXL1-related conditions. This sequence change replaces proline, which is neutral and non-polar, with arginine, which is basic and polar, at codon 504 of the ASXL1 protein (p.Pro504Arg). This variant is present in population databases (no rsID available, gnomAD 0.003%). Algorithms developed to predict the effect of missense changes on protein structure and function are either unavailable or do not agree on the potential impact of this missense change (SIFT: "Deleterious"; PolyPhen-2: "Possibly Damaging"; Align-GVGD: "Class C0"). In summary, the available evidence is currently insufficient to determine the role of this variant in disease. Therefore, it has been classified as a Variant of Uncertain Significance.

NM_015338.6(ASXL1):c.1511C>G (p.Pro504Arg)

Gene: ASXL1 (ASXL transcriptional regulator 1; plus strand). Cytogenetic location: 20q11.21.
Variant type: single nucleotide variant.
Coding change: c.1511C>G on transcript NM_015338.6 (MANE Select); coding-DNA position 1511, C replaced by G.
Protein change: p.Pro504Arg; replaces proline 504 with arginine.
Molecular consequence: missense variant.
Genome position (GRCh38, 1-based): chr20:32,433,709, C>G. VCF-style: chr20-32433709-C-G. GRCh37 (hg19) VCF-style: chr20-31021512-C-G.
Other names: c.1328C>G, p.Pro443Arg (NM_001363734.1); short protein forms P443R, P504R.
Identifiers: ClinVar variation 2118847 (VCV002118847.4), dbSNP rs1246107812, ClinGen allele CA408557253.
Genomic context (GRCh38, chr20:32,433,709, plus strand): 5'-AGTCTGTGGCTTCTCGGATCCAGGCTGAGCCAGACAACTTGGCACGTGCCTCTGCATCTC[C>G]AGACAGAATTCCTAGCCTGCCTCAGGAAACTGTGGATCAGGAACCCAAGGATCAGAAGAG-3'
Protein context (NP_056153.2, residues 494-514): PDNLARASAS[Pro504Arg]DRIPSLPQET